The following is an entry in ClinVar:

ClinVar aggregate classification (germline): Pathogenic (1 of 4 stars; one submission).

Submission:

Labcorp Genetics (formerly Invitae), Labcorp
Classification: Pathogenic. Last evaluated: 2019-10-04. Review status: criteria provided, single submitter. Criteria: Invitae Variant Classification Sherloc (09022015). Collection method: clinical testing. Allele origin: germline.
Comment: For these reasons, this variant has been classified as Pathogenic. This sequence change creates a premature translational stop signal (p.Gln5459*) in the ADGRV1 gene. It is expected to result in an absent or disrupted protein product. This variant is not present in population databases (ExAC no frequency). This variant has not been reported in the literature in individuals with ADGRV1-related conditions. Loss-of-function variants in ADGRV1 are known to be pathogenic (PMID: 19357117, 22135276, 22147658).

Literature cited by the submitters: PubMed 19357117; PubMed 22135276; PubMed 22147658.

NM_032119.4(ADGRV1):c.16375C>T (p.Gln5459Ter)

Gene: ADGRV1 (adhesion G protein-coupled receptor V1; plus strand). Cytogenetic location: 5q14.3.
Variant type: single nucleotide variant.
Coding change: c.16375C>T on transcript NM_032119.4 (MANE Select); coding-DNA position 16375, C replaced by T.
Protein change: p.Gln5459Ter; replaces glutamine 5459 with a stop codon.
Molecular consequence: nonsense. On other transcripts: non-coding transcript variant (1).
Genome position (GRCh38, 1-based): chr5:90,828,950, C>T. VCF-style: chr5-90828950-C-T. GRCh37 (hg19) VCF-style: chr5-90124767-C-T.
Other names: short protein forms Q5459*.
Identifiers: ClinVar variation 968846 (VCV000968846.7), dbSNP rs1764293109, ClinGen allele CA360426630.
Genomic context (GRCh38, chr5:90,828,950, plus strand): 5'-CAGATAGAAATATATTAGTAATAGTTGTTTTTTTTTCCTTTTTCTCATTGTCAGGTACCA[C>T]AGGTTGAAGTGTATTTTTTTGTGGAACTATATGAAGCTACTGCTGGAGCAGCAATAAACA-3'